The following is an entry in ClinVar:

ClinVar aggregate classification (germline): Conflicting classifications of pathogenicity. Review status: criteria provided, conflicting classifications (1 of 4 stars). 3 submissions from 3 submitters: Uncertain significance (1); Likely benign (2). Last evaluated 2025-12-14.

Conditions:
Hereditary cancer-predisposing syndrome. Also called: Tumor predisposition; Neoplastic Syndromes, Hereditary; Hereditary Cancer Syndrome; Hereditary neoplastic syndrome. Identifiers: Orphanet 140162, MedGen C0027672, MeSH D009386, MONDO:0015356.
Gorlin syndrome. Also called: Basal cell nevus syndrome; Nevoid Basal Cell Carcinoma Syndrome. Identifiers: Orphanet 377, MedGen C0004779, MONDO:0007187.

Allele frequency attached by ClinVar (database versions not stated): ExAC 0.00001; gnomAD 0.00001; gnomAD exomes 0.00001; TOPMed 0.00001.
gnomAD v4.1: 15 of 1,613,996 alleles (0.00093%); highest among the groups gnomAD compares: Non-Finnish European, 0.0013%; no homozygotes.

Submissions (3):

Labcorp Genetics (formerly Invitae), Labcorp
Classification: Likely benign for Gorlin syndrome. Last evaluated: 2025-12-14. Review status: criteria provided, single submitter. Criteria: Invitae Variant Classification Sherloc (09022015). Collection method: clinical testing. Allele origin: germline.

Quest Diagnostics Nichols Institute San Juan Capistrano
Classification: Uncertain significance. Last evaluated: 2024-08-26. Review status: criteria provided, single submitter. Criteria: Quest Diagnostics criteria. Collection method: clinical testing. Allele origin: unknown.
Comment: The PTCH1 c.1110G>A (p.Lys370=) synonymous variant has not been reported in individuals with PTCH1-related conditions in the published literature. The frequency of this variant in the general population, 0.000026 (3/113768 chromosomes (Genome Aggregation Database)), is uninformative in the assessment of its pathogenicity. Analysis of this variant using software algorithms for the prediction of the effect of nucleotide changes on splicing yielded predictions that this variant does not affect PTCH1 mRNA splicing. Based on the available information, we are unable to determine the clinical significance of this variant.

Ambry Genetics
Classification: Likely benign for Hereditary cancer-predisposing syndrome. Last evaluated: 2019-12-05. Review status: criteria provided, single submitter. Criteria: Ambry Variant Classification Scheme 2023. Collection method: clinical testing. Allele origin: germline.

NM_000264.5(PTCH1):c.1110G>A (p.Lys370=)

Gene: PTCH1 (patched 1; minus strand). Cytogenetic location: 9q22.32.
Variant type: single nucleotide variant.
Coding change: c.1110G>A on transcript NM_000264.5 (MANE Select); coding-DNA position 1110, G replaced by A.
Protein change: p.Lys370=; no amino-acid change (lysine 370 retained).
Molecular consequence: synonymous variant. On other transcripts: non-coding transcript variant (1).
Genome position (GRCh38, 1-based): chr9:95,479,105, C>T on the plus strand (G>A on the coding strand, the complement: PTCH1 is on the minus strand). VCF-style: chr9-95479105-C-T. GRCh37 (hg19) VCF-style: chr9-98241387-C-T.
Other names: c.1110G>A (NM_000264.4); c.912G>A, p.Lys304= (NM_001083602.3); c.1107G>A, p.Lys369= (NM_001083603.3); c.657G>A, p.Lys219= (NM_001083604.3, NM_001083605.3, NM_001083606.3 and 1 more transcripts); c.1110G>A, p.Lys370= (NM_001354918.2).
Identifiers: ClinVar variation 1088796 (VCV001088796.12), dbSNP rs758977865, ClinGen allele CA5138757.
Genomic context (GRCh38, chr9:95,479,105, plus strand): 5'-GTCCTCGTTCCAGTTGATGTGTGAGACATACTCGTACCCCTTGAAGTGCTCGTACATTTG[C>T]TTGGGAGTCATTAACTGGAACATGGTCTGCAGGGCATGGGCGCTGCAGCACAGTCCAAGG-3'
Protein context (NP_000255.2, residues 360-380): LQTMFQLMTP[Lys370=]QMYEHFKGYE